The following is an entry in ClinVar:

NM_003906.5(MCM3AP):c.5830A>C (p.Thr1944Pro)

Genes: MCM3AP (minichromosome maintenance complex component 3 associated protein; minus strand), MCM3AP-AS1 (MCM3AP antisense RNA 1; plus strand). Cytogenetic location: 21q22.3.
Variant type: single nucleotide variant.
Coding change: c.5830A>C on transcript NM_003906.5 (MANE Select); coding-DNA position 5830, A replaced by C.
Protein change: p.Thr1944Pro; replaces threonine 1944 with proline.
Molecular consequence: missense variant.
Genome position (GRCh38, 1-based): chr21:46,235,381, T>G on the plus strand (A>C on the coding strand, the complement: MCM3AP is on the minus strand). VCF-style: chr21-46235381-T-G. GRCh37 (hg19) VCF-style: chr21-47655295-T-G.
Other names: short protein forms T1944P.
Identifiers: ClinVar variation 1993656 (VCV001993656.4), dbSNP rs761660668, ClinGen allele CA410533093.

ClinVar aggregate classification (germline): Uncertain significance (1 of 4 stars; one submission).

Submission:

Labcorp Genetics (formerly Invitae), Labcorp
Classification: Uncertain significance. Last evaluated: 2022-05-12. Review status: criteria provided, single submitter. Criteria: Invitae Variant Classification Sherloc (09022015). Collection method: clinical testing. Allele origin: germline.
Comment: In summary, the available evidence is currently insufficient to determine the role of this variant in disease. Therefore, it has been classified as a Variant of Uncertain Significance. Algorithms developed to predict the effect of missense changes on protein structure and function (SIFT, PolyPhen-2, Align-GVGD) all suggest that this variant is likely to be tolerated. This variant has not been reported in the literature in individuals affected with MCM3AP-related conditions. This variant is not present in population databases (gnomAD no frequency). This sequence change replaces threonine, which is neutral and polar, with proline, which is neutral and non-polar, at codon 1944 of the MCM3AP protein (p.Thr1944Pro).